The following is an entry in ClinVar:

NM_201548.5(CERKL):c.677+562del

Gene: CERKL (CERK like autophagy regulator; minus strand). Cytogenetic location: 2q31.3.
Variant type: Deletion.
Coding change: c.677+562del on transcript NM_201548.5 (MANE Select); 562 bases into the intron after coding-DNA position 677, one base deleted (C; older notation c.677+562delC).
Molecular consequence: intron variant. On other transcripts: frameshift variant (2).
Genome position (GRCh38, 1-based): chr2:181,565,496, G deleted on the plus strand (C on the coding strand, the reverse complement: CERKL is on the minus strand); the first of 2 consecutive G bases (chr2:181,565,496-181,565,497); deleting either gives the same sequence. VCF-style (leftmost placement, unchanged base first): chr2-181565495-TG-T. GRCh37 (hg19) VCF-style: chr2-182430222-TG-T.
Other names: c.692del (NM_001030311.2); c.692delC (NM_001030311.2); c.692del, p.Pro231fs (NM_001030311.3); c.560del, p.Pro187fs (NM_001160277.2); c.482-15788del (NM_001030312.3); c.613+8257del (NM_001030313.3); short protein forms P187fs, P231fs.
Identifiers: ClinVar variation 1453528 (VCV001453528.10), dbSNP rs2105832223, ClinGen allele CA2573134250.

ClinVar aggregate classification (germline): Pathogenic/Likely pathogenic. Review status: criteria provided, multiple submitters, no conflicts (2 of 4 stars). 4 submissions from 4 submitters: Pathogenic (1); Likely pathogenic (3). Last evaluated 2025-03-03.

Conditions:
Retinitis pigmentosa 26 (RP26). Identifiers: Orphanet 791, MedGen C1842127, MONDO:0012024, OMIM 608380.

Submissions (4):

Natera, Inc.
Classification: Likely pathogenic for Retinitis Pigmentosa 26. Last evaluated: 2025-03-03. Review status: criteria provided, single submitter. Criteria: Natera Variant Classification Schema (03/2026). Collection method: clinical testing. Allele origin: germline.
Comment: The c.692delC variant in CERKL is a frameshift variant predicted to shift the reading frame beginning at codon 231 and leads to a stop codon 19 codons downstream. This variant is expected to result in nonsense mediated decay, truncation, or a dysfunctional protein product. This variant is rare in the general population with a frequency below the threshold expected for the associated phenotype(s). Given the available evidence, this variant is classified as Likely Pathogenic.

Fulgent Genetics
Classification: Likely pathogenic for Retinitis pigmentosa 26. Last evaluated: 2024-03-21. Review status: criteria provided, single submitter. Criteria: ACMG Guidelines, 2015. Collection method: clinical testing. Allele origin: germline.

Baylor Genetics
Classification: Likely pathogenic for Retinitis pigmentosa 26. Last evaluated: 2023-12-13. Review status: criteria provided, single submitter. Criteria: ACMG Guidelines, 2015. Collection method: clinical testing. Allele origin: unknown.

Labcorp Genetics (formerly Invitae), Labcorp
Classification: Pathogenic. Last evaluated: 2023-07-28. Review status: criteria provided, single submitter. Criteria: Invitae Variant Classification Sherloc (09022015). Collection method: clinical testing. Allele origin: germline.
Comment: This variant is not present in population databases (gnomAD no frequency). This sequence change creates a premature translational stop signal (p.Pro231Hisfs*19) in the CERKL gene. It is expected to result in an absent or disrupted protein product. Loss-of-function variants in CERKL are known to be pathogenic (PMID: 14681825, 23591405, 24043777). For these reasons, this variant has been classified as Pathogenic. ClinVar contains an entry for this variant (Variation ID: 1453528). This variant has not been reported in the literature in individuals affected with CERKL-related conditions.

Literature cited by the submitters: PubMed 14681825 (cited by Labcorp Genetics (formerly Invitae), Labcorp); PubMed 23591405 (cited by Labcorp Genetics (formerly Invitae), Labcorp); PubMed 24043777 (cited by Labcorp Genetics (formerly Invitae), Labcorp).